The following is an entry in ClinVar:

NM_001145860.2(POP1):c.1227A>G (p.Leu409=)

Gene: POP1 (POP1 ribonuclease P/MRP subunit; plus strand). Cytogenetic location: 8q22.2.
Variant type: single nucleotide variant.
Coding change: c.1227A>G on transcript NM_001145860.2 (MANE Select); coding-DNA position 1227, A replaced by G.
Protein change: p.Leu409=; no amino-acid change (leucine 409 retained).
Molecular consequence: synonymous variant.
Genome position (GRCh38, 1-based): chr8:98,136,697, A>G. VCF-style: chr8-98136697-A-G. GRCh37 (hg19) VCF-style: chr8-99148925-A-G.
Other names: c.1227A>G, p.Leu409= (NM_001145861.2, NM_015029.3).
Identifiers: ClinVar variation 1623559 (VCV001623559.32), dbSNP rs146559376, ClinGen allele CA4820512.

ClinVar aggregate classification (germline): Benign/Likely benign. Review status: criteria provided, multiple submitters, no conflicts (2 of 4 stars). 4 submissions from 4 submitters: Benign (2); Likely benign (2). Last evaluated 2025-10-26.

Allele frequency attached by ClinVar (database versions not stated): ESP Exome Variant Server 0.00038; 1000 Genomes Project 30x 0.00016; 1000 Genomes Project 0.00020; gnomAD exomes 0.00023 and 0.00026; TOPMed 0.00024; gnomAD 0.00027 and 0.00028; ExAC 0.00033.

Submissions (4):

Labcorp Genetics (formerly Invitae), Labcorp
Classification: Benign. Last evaluated: 2025-10-26. Review status: criteria provided, single submitter. Criteria: Invitae Variant Classification Sherloc (09022015). Collection method: clinical testing. Allele origin: germline.

Blueprint Genetics
Classification: Likely benign. Last evaluated: 2024-11-21. Review status: criteria provided, single submitter. Criteria: ACMG Guidelines, 2015. Collection method: clinical testing. Allele origin: germline.

CeGaT Center for Human Genetics Tuebingen
Classification: Likely benign. Last evaluated: 2024-01-01. Review status: criteria provided, single submitter. Criteria: CeGaT Center For Human Genetics Tuebingen Variant Classification Criteria Version 2. Collection method: clinical testing. Allele origin: germline. Affected: yes. Observed: 1 variant allele.
Comment: POP1: BP4, BP7

Breakthrough Genomics
Classification: Benign. Review status: criteria provided, single submitter. Criteria: ACMG Guidelines, 2015. Collection method: not provided. Allele origin: germline. Inheritance: Autosomal recessive inheritance. Affected: yes.